The following is an entry in ClinVar:

NM_018979.4(WNK1):c.5076C>G (p.Ile1692Met)

Gene: WNK1 (WNK lysine deficient protein kinase 1; plus strand). Cytogenetic location: 12p13.33.
Variant type: single nucleotide variant.
Coding change: c.5076C>G on transcript NM_018979.4 (MANE Select); coding-DNA position 5076, C replaced by G.
Protein change: p.Ile1692Met; replaces isoleucine 1692 with methionine.
Molecular consequence: missense variant.
Genome position (GRCh38, 1-based): chr12:885,880, C>G. VCF-style: chr12-885880-C-G. GRCh37 (hg19) VCF-style: chr12-995046-C-G.
Other names: c.5856C>G, p.Ile1952Met (NM_001184985.2); c.4335C>G, p.Ile1445Met (NM_014823.3); c.5832C>G, p.Ile1944Met (NM_213655.5); short protein forms I1445M, I1692M, I1944M, I1952M.
Identifiers: ClinVar variation 834671 (VCV000834671.9), dbSNP rs1386856165, ClinGen allele CA383332551.

ClinVar aggregate classification (germline): Uncertain significance (1 of 4 stars; one submission).

Conditions:
Pseudohypoaldosteronism type 2C (PHA2C). Also called: Pseudohypoaldosteronism Type IIC. Identifiers: Orphanet 757, Orphanet 88940, MedGen C1840391, MONDO:0013778, OMIM 614492.
Neuropathy, hereditary sensory and autonomic, type 2A (HSAN2A). Also called: MORVAN DISEASE; NEUROPATHY, CONGENITAL SENSORY; NEUROPATHY, HEREDITARY SENSORY RADICULAR, AUTOSOMAL RECESSIVE; NEUROPATHY, HEREDITARY SENSORY, TYPE IIA; NEUROPATHY, PROGRESSIVE SENSORY, OF CHILDREN; WNK1-Related HSAN2 (HSAN2A). Identifiers: Orphanet 970, MedGen C2752089, MONDO:0024309, OMIM 201300.

Allele frequency attached by ClinVar (database versions not stated): gnomAD exomes 0.00001; TOPMed 0.00001.
gnomAD v4.1: 19 of 1,612,936 alleles (0.0012%); highest among the groups gnomAD compares: Non-Finnish European, 0.0015%; no homozygotes.

Submission:

Labcorp Genetics (formerly Invitae), Labcorp
Classification: Uncertain significance for Neuropathy, hereditary sensory and autonomic, type 2A; Pseudohypoaldosteronism type 2C. Last evaluated: 2019-03-22. Review status: criteria provided, single submitter. Criteria: Invitae Variant Classification Sherloc (09022015). Collection method: clinical testing. Allele origin: germline.
Comment: This variant has not been reported in the literature in individuals with WNK1-related conditions. This variant is not present in population databases (ExAC no frequency). This sequence change replaces isoleucine with methionine at codon 1944 of the WNK1 protein (p.Ile1944Met). The isoleucine residue is highly conserved and there is a small physicochemical difference between isoleucine and methionine. Algorithms developed to predict the effect of missense changes on protein structure and function are either unavailable or do not agree on the potential impact of this missense change (SIFT: "Deleterious"; PolyPhen-2: "Not Available"; Align-GVGD: "Class C0"). In summary, the available evidence is currently insufficient to determine the role of this variant in disease. Therefore, it has been classified as a Variant of Uncertain Significance.